The following is an entry in ClinVar:

NM_058216.3(RAD51C):c.-29C>T

Gene: RAD51C (RAD51 paralog C; plus strand). Cytogenetic location: 17q22.
Variant type: single nucleotide variant.
Coding change: c.-29C>T on transcript NM_058216.3 (MANE Select); 29 bases upstream of the start codon, C replaced by T.
Molecular consequence: 5 prime UTR variant. On other transcripts: non-coding transcript variant (2).
Genome position (GRCh38, 1-based): chr17:58,692,615, C>T. VCF-style: chr17-58692615-C-T. GRCh37 (hg19) VCF-style: chr17-56769976-C-T.
Other names: c.-29C>T (NM_002876.4).
Identifiers: ClinVar variation 379144 (VCV000379144.1), dbSNP rs375603530, ClinGen allele CA8677102.
Genomic context (GRCh38, chr17:58,692,615, plus strand): 5'-CCCTTCCGCTTTACGTCTGACGTCACGCCGCACGCCCCAGCGAGGGCGTGCGGAGTTTGG[C>T]TGCTCCGGGGTTAGCAGGTGAGCCTGCGATGCGCGGGAAGACGTTCCGCTTTGAAATGCA-3'

ClinVar aggregate classification (germline): Likely benign (1 of 4 stars; one submission).

Allele frequency attached by ClinVar (database versions not stated): gnomAD exomes 0.00002; ExAC 0.00003; TOPMed 0.00010; gnomAD 0.00011 and 0.00013; ESP Exome Variant Server 0.00015.
gnomAD v4.1: 45 of 1,613,014 alleles (0.0028%); highest among the groups gnomAD compares: African/African-American, 0.045%; no homozygotes.

Submission:

GeneDx
Classification: Likely benign. Last evaluated: 2016-09-19. Review status: criteria provided, single submitter. Criteria: GeneDx Variant Classification (06012015). Collection method: clinical testing. Allele origin: germline. Affected: yes.
Comment: This variant is considered likely benign or benign based on one or more of the following criteria: it is a conservative change, it occurs at a poorly conserved position in the protein, it is predicted to be benign by multiple in silico algorithms, and/or has population frequency not consistent with disease.